The following is an entry in ClinVar:

NM_001242957.3(MAK):c.1793-10T>C

Gene: MAK (male germ cell associated kinase; minus strand). Cytogenetic location: 6p24.2.
Variant type: single nucleotide variant.
Coding change: c.1793-10T>C on transcript NM_001242957.3 (MANE Select); 10 bases into the intron before coding-DNA position 1793, T replaced by C.
Molecular consequence: intron variant.
Genome position (GRCh38, 1-based): chr6:10,764,616, A>G on the plus strand (T>C on the coding strand, the complement: MAK is on the minus strand). VCF-style: chr6-10764616-A-G. GRCh37 (hg19) VCF-style: chr6-10764849-A-G.
Other names: c.1496-10T>C (NM_001377262.1); c.1718-10T>C (NM_005906.6); c.1598-10T>C (NM_001242385.2).
Identifiers: ClinVar variation 2107268 (VCV002107268.1), dbSNP rs747657647, ClinGen allele CA3633337.

ClinVar aggregate classification (germline): Uncertain significance (1 of 4 stars; one submission).

Allele frequency attached by ClinVar (database versions not stated): ExAC 0.00001; gnomAD 0.00001; gnomAD exomes 0.00001; TOPMed 0.00001.
gnomAD v4.1: 4 of 1,613,556 alleles (0.00025%); highest among the groups gnomAD compares: Admixed American, 0.0067%; no homozygotes.

Submission:

Labcorp Genetics (formerly Invitae), Labcorp
Classification: Uncertain significance. Last evaluated: 2022-09-27. Review status: criteria provided, single submitter. Criteria: Invitae Variant Classification Sherloc (09022015). Collection method: clinical testing. Allele origin: germline.
Comment: This sequence change falls in intron 13 of the MAK gene. It does not directly change the encoded amino acid sequence of the MAK protein. This variant is present in population databases (rs747657647, gnomAD 0.006%). This variant has not been reported in the literature in individuals affected with MAK-related conditions. Algorithms developed to predict the effect of sequence changes on RNA splicing suggest that this variant may disrupt the consensus splice site. In summary, the available evidence is currently insufficient to determine the role of this variant in disease. Therefore, it has been classified as a Variant of Uncertain Significance.